The following is an entry in ClinVar:

ClinVar aggregate classification (germline): Pathogenic/Likely pathogenic. Review status: criteria provided, multiple submitters, no conflicts (2 of 4 stars). 6 submissions from 6 submitters: Pathogenic (3); Likely pathogenic (3). Last evaluated 2026-05-20.

Conditions:
RNASEH2B-related disorder. Also called: RNASEH2B-related condition.
Aicardi-Goutieres syndrome 2. Identifiers: Orphanet 51, MedGen C3489724, MONDO:0012429, OMIM 610181.

Allele frequency attached by ClinVar (database versions not stated): gnomAD 0.00002; TOPMed 0.00002; ESP Exome Variant Server 0.00008.
gnomAD v4.1: 68 of 1,613,410 alleles (0.0042%); highest among the groups gnomAD compares: Non-Finnish European, 0.0056%; no homozygotes.

Submissions (6):

Women's Health and Genetics/Laboratory Corporation of America, LabCorp
Classification: Pathogenic for Aicardi-Goutieres syndrome 2. Last evaluated: 2026-05-20. Review status: criteria provided, single submitter. Criteria: LabCorp Variant Classification Summary - May 2015. Collection method: clinical testing. Allele origin: germline.
Comment: Variant summary: RNASEH2B c.719C>G (p.Ser240X) results in a premature termination codon, predicted to cause a truncation of the encoded protein or absence of the protein due to nonsense mediated decay, which are commonly known mechanisms for disease. The variant allele was found at a frequency of 1.2e-05 in 251184 control chromosomes. To our knowledge, no occurrence of c.719C>G in individuals affected with RNASEH2B-related conditions and no experimental evidence demonstrating its impact on protein function have been reported. ClinVar contains an entry for this variant (Variation ID: 582587). Based on the evidence outlined above, the variant was classified as pathogenic.

Labcorp Genetics (formerly Invitae), Labcorp
Classification: Pathogenic for Aicardi-Goutieres syndrome 2. Last evaluated: 2025-06-15. Review status: criteria provided, single submitter. Criteria: Invitae Variant Classification Sherloc (09022015). Collection method: clinical testing. Allele origin: germline.
Comment: This sequence change creates a premature translational stop signal (p.Ser240*) in the RNASEH2B gene. It is expected to result in an absent or disrupted protein product. Loss-of-function variants in RNASEH2B are known to be pathogenic (PMID: 17846997). This variant is present in population databases (rs372632599, gnomAD 0.003%). This variant has not been reported in the literature in individuals affected with RNASEH2B-related conditions. ClinVar contains an entry for this variant (Variation ID: 582587). For these reasons, this variant has been classified as Pathogenic.

Myriad Genetics, Inc.
Classification: Pathogenic for Aicardi-Goutieres syndrome 2. Last evaluated: 2024-04-26. Review status: criteria provided, single submitter. Criteria: Myriad Autosomal Dominant, Autosomal Recessive and X-Linked Classification Criteria (2023). Collection method: clinical testing. Allele origin: unknown.
Comment: NM_024570.3(RNASEH2B):c.719C>G(S240*) is expected to be pathogenic in the context of Aicardi-Goutieres syndrome, RNASEH2B-related. This variant is predicted to lead to an abnormal or absent protein product due to the creation of a premature termination codon in RNASEH2B, a gene where loss-of-function variants are known to be pathogenic. Please note: this variant was assessed in the context of healthy population screening.

Fulgent Genetics
Classification: Likely pathogenic for Aicardi-Goutieres syndrome 2. Last evaluated: 2024-04-19. Review status: criteria provided, single submitter. Criteria: ACMG Guidelines, 2015. Collection method: clinical testing. Allele origin: germline.

Blueprint Genetics
Classification: Likely pathogenic for RNASEH2B-related disorders. Last evaluated: 2022-06-23. Review status: criteria provided, single submitter. Criteria: ACMG Guidelines, 2015. Collection method: clinical testing. Allele origin: germline. Affected: yes. Observed: 1 variant allele.

Genetics and Molecular Pathology, SA Pathology
Classification: Likely pathogenic for Aicardi-Goutieres syndrome 2. Last evaluated: 2021-09-07. Review status: criteria provided, single submitter. Criteria: ACMG Guidelines, 2015. Collection method: clinical testing. Allele origin: germline. Inheritance: Autosomal recessive inheritance. Affected: yes.

Literature cited by the submitters: PubMed 17846997 (cited by Labcorp Genetics (formerly Invitae), Labcorp).

NM_024570.4(RNASEH2B):c.719C>G (p.Ser240Ter)

Gene: RNASEH2B (ribonuclease H2 subunit B; plus strand). Cytogenetic location: 13q14.3.
Variant type: single nucleotide variant.
Coding change: c.719C>G on transcript NM_024570.4 (MANE Select); coding-DNA position 719, C replaced by G.
Protein change: p.Ser240Ter; replaces serine 240 with a stop codon.
Molecular consequence: nonsense.
Genome position (GRCh38, 1-based): chr13:50,949,483, C>G. VCF-style: chr13-50949483-C-G. GRCh37 (hg19) VCF-style: chr13-51523619-C-G.
Other names: c.719C>G, p.Ser240Ter (NM_001142279.2); short protein forms S240*.
Identifiers: ClinVar variation 582587 (VCV000582587.14), dbSNP rs372632599, ClinGen allele CA6985685.